The following is an entry in ClinVar:

NM_032043.3(BRIP1):c.303_309del (p.Asn101fs)

Gene: BRIP1 (BRCA1 interacting DNA helicase 1; minus strand). Cytogenetic location: 17q23.2.
Variant type: Deletion.
Coding change: c.303_309del on transcript NM_032043.3 (MANE Select); coding-DNA positions 303 to 309, 7 bases deleted (CCAAGGA; older notation c.303_309delCCAAGGA).
Protein change: p.Asn101fs; shifts the reading frame from asparagine 101.
Molecular consequence: frameshift variant.
Genome position (GRCh38, 1-based): chr17:61,857,128-61,857,134, TCCTTGG deleted on the plus strand (CCAAGGA on the coding strand, the reverse complement: BRIP1 is on the minus strand); deleting any 7 consecutive bases within chr17:61,857,128-61,857,135 gives the same sequence; the c. name uses the placement nearest the transcript's 3' end. VCF-style (leftmost placement, unchanged base first): chr17-61857127-TTCCTTGG-T. GRCh37 (hg19) VCF-style: chr17-59934488-TTCCTTGG-T.
Other names: short protein forms N101fs.
Identifiers: ClinVar variation 2951385 (VCV002951385.3), dbSNP rs2545459007, ClinGen allele CA2740093874.
Genomic context (GRCh38, chr17:61,857,127, plus strand): 5'-TTGATGAAGTGCCATTTCTTTCAGAAGGTGGTGTGCTTGGATAGTTGAAATGACGTGAAG[TTCCTTGG>T]TTCATGTCATTGTTTGTAAAATCCTTTGAATGGCATGCACAACAACATGACAATTGTACT-3'

ClinVar aggregate classification (germline): Pathogenic (1 of 4 stars; one submission).

Conditions:
Familial cancer of breast. Also called: BREAST CANCER, FAMILIAL; hereditary breast carcinoma; Hereditary breast cancer. Identifiers: Orphanet 227535, MedGen C0346153, MONDO:0016419, OMIM 114480. Disease mechanism: loss of function.
Fanconi anemia complementation group J. Also called: BRIP1-Related Fanconi Anemia. Identifiers: Orphanet 84, MedGen C1836860, MONDO:0012187, OMIM 609054.

Submission:

Labcorp Genetics (formerly Invitae), Labcorp
Classification: Pathogenic for Familial cancer of breast; Fanconi anemia complementation group J. Last evaluated: 2023-08-29. Review status: criteria provided, single submitter. Criteria: Invitae Variant Classification Sherloc (09022015). Collection method: clinical testing. Allele origin: germline.
Comment: For these reasons, this variant has been classified as Pathogenic. This variant has not been reported in the literature in individuals affected with BRIP1-related conditions. This variant is not present in population databases (gnomAD no frequency). This sequence change creates a premature translational stop signal (p.Asn101Lysfs*54) in the BRIP1 gene. It is expected to result in an absent or disrupted protein product. Loss-of-function variants in BRIP1 are known to be pathogenic (PMID: 16116423, 17033622, 21964575).

Literature cited by the submitters: PubMed 16116423; PubMed 17033622; PubMed 21964575.